The following is an entry in ClinVar:

ClinVar aggregate classification (germline): Uncertain significance (1 of 4 stars; one submission).

Conditions:
Glycogen storage disease, type II (IOPD). Also called: Pompe Disease; CARDIOMEGALIA GLYCOGENICA DIFFUSA; GLYCOGENOSIS, GENERALIZED, CARDIAC FORM; GSD II; POMPE DISEASE, INFANTILE-ONSET; GLYCOGEN STORAGE DISEASE II, INFANTILE-ONSET. Identifiers: Orphanet 365, MedGen C0017921, MONDO:0009290, OMIM 232300.

Submission:

Genomenon, Inc
Classification: Uncertain significance for Glycogen storage disease, type II. Last evaluated: 2026-07-01. Review status: criteria provided, single submitter. Criteria: Genomenon Sequence Variant Interpretation Standards - Updated. Collection method: curation. Allele origin: germline. Affected: yes.
Comment: GAA p.Asn520Lys (c.1560C>A) is a missense variant that changes the amino acid at codon 520 from Asparagine to Lysine. This variant has been observed in at least one proband with a GAA-related disorder in the compound heterozygous and/or homozygous state (PMID:35264382). It is absent or not present at a significant frequency in gnomAD. In conclusion, we classify GAA p.Asn520Lys (c.1560C>A) as a variant of uncertain significance.

Literature cited by the submitters: PubMed 35264382.

NM_000152.5(GAA):c.1560C>A (p.Asn520Lys)

Gene: GAA (alpha glucosidase; plus strand). Cytogenetic location: 17q25.3.
Variant type: single nucleotide variant.
Coding change: c.1560C>A on transcript NM_000152.5 (MANE Select); coding-DNA position 1560, C replaced by A.
Protein change: p.Asn520Lys; replaces asparagine 520 with lysine.
Molecular consequence: missense variant.
Genome position (GRCh38, 1-based): chr17:80,110,949, C>A. VCF-style: chr17-80110949-C-A. GRCh37 (hg19) VCF-style: chr17-78084748-C-A.
Other names: c.1560C>A, p.Asn520Lys (NM_001079803.3, NM_001079804.3, NM_001406741.1 and 1 more transcripts); short protein forms N520K.
Identifiers: ClinVar variation 4876620 (VCV004876620.1).